The following is an entry in ClinVar:

ClinVar aggregate classification (germline): Uncertain significance (1 of 4 stars; one submission).

Allele frequency attached by ClinVar (database versions not stated): gnomAD exomes below 0.00001.
gnomAD v4.1: 2 of 1,614,192 alleles (0.00012%); highest among the groups gnomAD compares: Non-Finnish European, 0.00017%; no homozygotes.

Submission:

GeneDx
Classification: Uncertain significance. Last evaluated: 2022-06-17. Review status: criteria provided, single submitter. Criteria: GeneDx Variant Classification Process June 2021. Collection method: clinical testing. Allele origin: germline. Affected: yes.
Comment: Not observed at significant frequency in large population cohorts (gnomAD); In silico analysis supports that this missense variant has a deleterious effect on protein structure/function; Has not been previously published as pathogenic or benign to our knowledge

NM_020774.4(MIB1):c.2309A>G (p.Asn770Ser)

Gene: MIB1 (MIB E3 ubiquitin protein ligase 1; plus strand). Cytogenetic location: 18q11.2.
Variant type: single nucleotide variant.
Coding change: c.2309A>G on transcript NM_020774.4 (MANE Select); coding-DNA position 2309, A replaced by G.
Protein change: p.Asn770Ser; replaces asparagine 770 with serine.
Molecular consequence: missense variant.
Genome position (GRCh38, 1-based): chr18:21,847,041, A>G. VCF-style: chr18-21847041-A-G. GRCh37 (hg19) VCF-style: chr18-19427002-A-G.
Other names: short protein forms N770S.
Identifiers: ClinVar variation 1804222 (VCV001804222.1), dbSNP rs2510764295, ClinGen allele CA401795636.